The following is an entry in ClinVar:

ClinVar aggregate classification (germline): Uncertain significance (1 of 4 stars; one submission).

Conditions:
Autosomal dominant limb-girdle muscular dystrophy type 1F (LGMDD2). Also called: MUSCULAR DYSTROPHY, LIMB-GIRDLE, AUTOSOMAL DOMINANT 2; Limb-girdle muscular dystrophy, type 1F. Identifiers: Orphanet 55595, MedGen C1842062, MONDO:0012034, OMIM 608423.

Allele frequency attached by ClinVar (database versions not stated): gnomAD exomes 0.00004; ExAC 0.00005; ESP Exome Variant Server 0.00008; 1000 Genomes Project 30x 0.00016; 1000 Genomes Project 0.00020.
gnomAD v4.1: 55 of 1,611,740 alleles (0.0034%); highest among the groups gnomAD compares: Middle Eastern, 0.017%; no homozygotes.

Submission:

Labcorp Genetics (formerly Invitae), Labcorp
Classification: Uncertain significance for Autosomal dominant limb-girdle muscular dystrophy type 1F. Last evaluated: 2025-06-30. Review status: criteria provided, single submitter. Criteria: Invitae Variant Classification Sherloc (09022015). Collection method: clinical testing. Allele origin: germline.
Comment: This sequence change replaces arginine, which is basic and polar, with glutamine, which is neutral and polar, at codon 870 of the TNPO3 protein (p.Arg870Gln). This variant is present in population databases (rs188168905, gnomAD 0.009%). This variant has not been reported in the literature in individuals affected with TNPO3-related conditions. ClinVar contains an entry for this variant (Variation ID: 1503556). An algorithm developed to predict the effect of missense changes on protein structure and function (PolyPhen-2) suggests that this variant is likely to be tolerated. In summary, the available evidence is currently insufficient to determine the role of this variant in disease. Therefore, it has been classified as a Variant of Uncertain Significance.

NM_012470.4(TNPO3):c.2609G>A (p.Arg870Gln)

Gene: TNPO3 (transportin 3; minus strand). Cytogenetic location: 7q32.1.
Variant type: single nucleotide variant.
Coding change: c.2609G>A on transcript NM_012470.4 (MANE Select); coding-DNA position 2609, G replaced by A.
Protein change: p.Arg870Gln; replaces arginine 870 with glutamine.
Molecular consequence: missense variant. On other transcripts: non-coding transcript variant (18).
Genome position (GRCh38, 1-based): chr7:128,967,382, C>T on the plus strand (G>A on the coding strand, the complement: TNPO3 is on the minus strand). VCF-style: chr7-128967382-C-T. GRCh37 (hg19) VCF-style: chr7-128607436-C-T.
Other names: c.2417G>A, p.Arg806Gln (NM_001191028.3, NM_001382223.1); c.2711G>A, p.Arg904Gln (NM_001382216.1); c.2690G>A, p.Arg897Gln (NM_001382217.1); c.2609G>A, p.Arg870Gln (NM_001382218.1); c.2501G>A, p.Arg834Gln (NM_001382219.1); c.2468G>A, p.Arg823Gln (NM_001382220.1); c.2465G>A, p.Arg822Gln (NM_001382221.1); c.2462G>A, p.Arg821Gln (NM_001382222.1); short protein forms R904Q, R823Q, R897Q, R806Q, R822Q, R870Q, R821Q, R834Q.
Identifiers: ClinVar variation 1503556 (VCV001503556.8), dbSNP rs188168905, ClinGen allele CA4477822.